The following is an entry in ClinVar:

NM_000812.4(GABRB1):c.537C>A (p.Ile179=)

Gene: GABRB1 (gamma-aminobutyric acid type A receptor subunit beta1; plus strand). Cytogenetic location: 4p12.
Variant type: single nucleotide variant.
Coding change: c.537C>A on transcript NM_000812.4 (MANE Select); coding-DNA position 537, C replaced by A.
Protein change: p.Ile179=; no amino-acid change (isoleucine 179 retained).
Molecular consequence: synonymous variant.
Genome position (GRCh38, 1-based): chr4:47,320,202, C>A. VCF-style: chr4-47320202-C-A. GRCh37 (hg19) VCF-style: chr4-47322219-C-A.
Identifiers: ClinVar variation 1573985 (VCV001573985.11), dbSNP rs6284, ClinGen allele CA2907614.

ClinVar aggregate classification (germline): Benign. Review status: criteria provided, multiple submitters, no conflicts (2 of 4 stars). 3 submissions from 3 submitters: Benign (3). Last evaluated 2026-02-03.

Allele frequency attached by ClinVar (database versions not stated): 1000 Genomes Project 30x 0.12523; ExAC 0.17052; gnomAD 0.17199 and 0.17470; 1000 Genomes Project 0.12660; TOPMed 0.15828; ESP Exome Variant Server 0.17530.
gnomAD v4.1: 297,590 of 1,579,056 alleles (19%); highest among the groups gnomAD compares: Non-Finnish European, 20%; 29,642 homozygotes.

Submissions (3):

Labcorp Genetics (formerly Invitae), Labcorp
Classification: Benign. Last evaluated: 2026-02-03. Review status: criteria provided, single submitter. Criteria: Invitae Variant Classification Sherloc (09022015). Collection method: clinical testing. Allele origin: germline.

Unidad de Genómica Garrahan, Hospital de Pediatría Garrahan
Classification: Benign. Last evaluated: 2024-07-15. Review status: criteria provided, single submitter. Criteria: ACMG Guidelines, 2015. Collection method: clinical testing. Allele origin: germline. Affected: no. Observed: 26 variant alleles.
Comment: This variant is classified as Benign based on local population frequency. This variant was detected in 28% of patients studied in a panel designed for Epileptic and Developmental Encephalopathy and Progressive Myoclonus Epilepsy. Number of patients: 26. Only high quality variants are reported.

Breakthrough Genomics
Classification: Benign. Review status: criteria provided, single submitter. Criteria: ACMG Guidelines, 2015. Collection method: not provided. Allele origin: germline. Inheritance: Autosomal dominant inheritance. Affected: yes.